The following is an entry in ClinVar:

NM_004380.3(CREBBP):c.6609delinsGCAG (p.Gln2216dup)

Gene: CREBBP (CREB binding lysine acetyltransferase; minus strand). Cytogenetic location: 16p13.3.
Variant type: Indel.
Coding change: c.6609delinsGCAG on transcript NM_004380.3 (MANE Select); coding-DNA position 6609, A replaced by GCAG.
Protein change: p.Gln2216dup; duplicates glutamine 2216.
Molecular consequence: inframe insertion.
Genome position (GRCh38, 1-based): chr16:3,728,438, T replaced by CTGC on the plus strand (A replaced by GCAG on the coding strand, the reverse complement: CREBBP is on the minus strand). VCF-style: chr16-3728438-T-CTGC. GRCh37 (hg19) VCF-style: chr16-3778439-T-CTGC.
Other names: c.6495delinsGCAG, p.Gln2178dup (NM_001079846.1); c.6609delAinsGCAG (NM_004380.2); c.6609delinsGCAG (NM_004380.2).
Identifiers: ClinVar variation 589742 (VCV000589742.6), dbSNP rs1567260749, ClinGen allele CA891844254.

ClinVar aggregate classification (germline): Likely benign. Review status: criteria provided, single submitter (1 of 4 stars). 2 submissions from 2 submitters: Likely benign (1). 1 of the submissions does not count toward it. Last evaluated 2017-02-16.

Conditions:
Inborn genetic diseases. Identifiers: MedGen C0950123, MeSH D030342.
CREBBP-related disorder. Also called: CREBBP-related disorders; CREBBP-related condition.

Submissions (2):

Ambry Genetics
Classification: Likely benign for Inborn genetic diseases. Last evaluated: 2017-02-16. Review status: criteria provided, single submitter. Criteria: Ambry Variant Classification Scheme 2023. Collection method: clinical testing. Allele origin: germline.

PreventionGenetics, part of Exact Sciences
Classification: Likely benign for CREBBP-related condition. Last evaluated: 2024-01-08. Review status: no assertion criteria provided. Collection method: clinical testing. Allele origin: germline. Not counted in ClinVar's aggregate classification.
Comment: This variant is classified as likely benign based on ACMG/AMP sequence variant interpretation guidelines (Richards et al. 2015 PMID: 25741868, with internal and published modifications).